The following is an entry in ClinVar:

ClinVar aggregate classification (germline): Uncertain significance (1 of 4 stars; one submission).

Conditions:
Hereditary nonpolyposis colorectal neoplasms. Identifiers: MedGen C0009405, MeSH D003123.

Submission:

Labcorp Genetics (formerly Invitae), Labcorp
Classification: Uncertain significance for Hereditary nonpolyposis colorectal neoplasms. Last evaluated: 2022-06-13. Review status: criteria provided, single submitter. Criteria: Invitae Variant Classification Sherloc (09022015). Collection method: clinical testing. Allele origin: germline.
Comment: This sequence change replaces proline, which is neutral and non-polar, with alanine, which is neutral and non-polar, at codon 1110 of the MSH6 protein (p.Pro1110Ala). In summary, the available evidence is currently insufficient to determine the role of this variant in disease. Therefore, it has been classified as a Variant of Uncertain Significance. Advanced modeling of protein sequence and biophysical properties (such as structural, functional, and spatial information, amino acid conservation, physicochemical variation, residue mobility, and thermodynamic stability) performed at Invitae indicates that this missense variant is expected to disrupt MSH6 protein function. This variant has not been reported in the literature in individuals affected with MSH6-related conditions. This variant is not present in population databases (gnomAD no frequency).

NM_000179.3(MSH6):c.3328C>G (p.Pro1110Ala)

Gene: MSH6 (mutS homolog 6; plus strand). Cytogenetic location: 2p16.3.
Variant type: single nucleotide variant.
Coding change: c.3328C>G on transcript NM_000179.3 (MANE Select); coding-DNA position 3328, C replaced by G.
Protein change: p.Pro1110Ala; replaces proline 1110 with alanine.
Molecular consequence: missense variant.
Genome position (GRCh38, 1-based): chr2:47,803,575, C>G. VCF-style: chr2-47803575-C-G. GRCh37 (hg19) VCF-style: chr2-48030714-C-G.
Other names: c.2938C>G, p.Pro980Ala (NM_001281492.2); c.2422C>G, p.Pro808Ala (NM_001281493.2, NM_001281494.2); short protein forms P808A, P1110A, P980A.
Identifiers: ClinVar variation 1423526 (VCV001423526.8), dbSNP rs374070511, ClinGen allele CA346758712.